The following is an entry in ClinVar:

NM_000097.7(CPOX):c.32G>A (p.Gly11Asp)

Genes: CPOX (coproporphyrinogen oxidase; minus strand), LOC129937121 (ATAC-STARR-seq lymphoblastoid silent region 14560; plus strand). Cytogenetic location: 3q11.2.
Variant type: single nucleotide variant.
Coding change: c.32G>A on transcript NM_000097.7 (MANE Select); coding-DNA position 32, G replaced by A.
Protein change: p.Gly11Asp; replaces glycine 11 with aspartic acid.
Molecular consequence: missense variant.
Genome position (GRCh38, 1-based): chr3:98,593,473, C>T on the plus strand (G>A on the coding strand, the complement: CPOX is on the minus strand). VCF-style: chr3-98593473-C-T. GRCh37 (hg19) VCF-style: chr3-98312317-C-T.
Other names: short protein forms G11D.
Identifiers: ClinVar variation 4687277 (VCV004687277.1).
Genomic context (GRCh38, chr3:98,593,473, plus strand): 5'-CCGCACTGGGACCAGGCGCGGGGCCCTCCGCAGCCGCCCCGCGCCACGAGCCAGCAGGGG[C>T]CCGAGCTCAGCCTGCCCAGCTGCAAGGCCATGTTCCCGCACTATCACCTGGAGCAGTGCC-3'
Protein context (NP_000088.3, residues 1-21): MALQLGRLSS[Gly11Asp]PCWLVARGGC

ClinVar aggregate classification (germline): Uncertain significance (1 of 4 stars; one submission).

Submission:

Women's Health and Genetics/Laboratory Corporation of America, LabCorp
Classification: Uncertain significance. Last evaluated: 2025-10-15. Review status: criteria provided, single submitter. Criteria: LabCorp Variant Classification Summary - May 2015. Collection method: clinical testing. Allele origin: germline.
Comment: Variant summary: CPOX c.32G>A (p.Gly11Asp) results in a non-conservative amino acid change in the encoded protein sequence. Algorithms developed to predict the effect of missense changes on protein structure and function are either unavailable or do not agree on the potential impact of this missense change. The variant was absent in 110322 control chromosomes. The available data on variant occurrences in the general population are insufficient to allow any conclusion about variant significance. To our knowledge, no occurrence of c.32G>A in individuals affected with CPOX-related conditions and no experimental evidence demonstrating its impact on protein function have been reported. No submitters have cited clinical-significance assessments for this variant to ClinVar. Based on the evidence outlined above, the variant was classified as uncertain significance.